The following is an entry in ClinVar:

ClinVar aggregate classification (germline): Likely benign. Review status: criteria provided, multiple submitters, no conflicts (2 of 4 stars). 4 submissions from 4 submitters: Likely benign (4). Last evaluated 2025-11-11.

Conditions:
Familial hypercholesterolemia. Also called: Familial hypercholesterolaemia; Familial hypercholesterolemias. Identifiers: MedGen C0020445, MONDO:0005439.
Hypercholesterolemia, autosomal dominant, 3 (FHCL3). Also called: PCSK9-Related Familial Hypercholesterolemia, Autosomal Dominant; Familial hypercholesterolemia 3; Familial Hypercholesterolemia, Autosomal Dominant, 3. Identifiers: MedGen C1863551, MONDO:0011369, OMIM 603776.
Cardiovascular phenotype. Identifiers: MedGen CN230736.

Allele frequency attached by ClinVar (database versions not stated): gnomAD 0.00001; gnomAD exomes 0.00004 and 0.00011; ExAC 0.00018; 1000 Genomes Project 30x 0.00031; 1000 Genomes Project 0.00040.
gnomAD v4.1: 56 of 1,592,002 alleles (0.0035%); highest among the groups gnomAD compares: South Asian, 0.057%; no homozygotes.

Submissions (4):

Labcorp Genetics (formerly Invitae), Labcorp
Classification: Likely benign for Hypercholesterolemia, autosomal dominant, 3. Last evaluated: 2025-11-11. Review status: criteria provided, single submitter. Criteria: Invitae Variant Classification Sherloc (09022015). Collection method: clinical testing. Allele origin: germline.

All of Us Research Program, National Institutes of Health
Classification: Likely benign for Hypercholesterolemia, autosomal dominant, 3. Last evaluated: 2024-03-24. Review status: criteria provided, single submitter. Criteria: ACMG Guidelines, 2015. Collection method: clinical testing. Allele origin: germline. Inheritance: Autosomal dominant inheritance. Observed: 2 variant alleles, 2 heterozygotes.
Comment: This study involves interpretation of variants in research participants for the purpose of population health screening. Participant phenotype was not available at the time of variant classification. Additional details can be found in publication PMID: 35346344, PMCID: PMC8962531

Ambry Genetics
Classification: Likely benign for Cardiovascular phenotype. Last evaluated: 2022-07-25. Review status: criteria provided, single submitter. Criteria: Ambry Variant Classification Scheme 2023. Collection method: clinical testing. Allele origin: germline.

Color Diagnostics, LLC DBA Color Health
Classification: Likely benign for Familial hypercholesterolemia. Last evaluated: 2020-04-07. Review status: criteria provided, single submitter. Criteria: ACMG Guidelines, 2015. Collection method: clinical testing. Allele origin: germline.

NM_174936.4(PCSK9):c.892A>G (p.Asn298Asp)

Gene: PCSK9 (proprotein convertase subtilisin/kexin type 9; plus strand). Cytogenetic location: 1p32.3.
Variant type: single nucleotide variant.
Coding change: c.892A>G on transcript NM_174936.4 (MANE Select); coding-DNA position 892, A replaced by G.
Protein change: p.Asn298Asp; replaces asparagine 298 with aspartic acid.
Molecular consequence: missense variant.
Genome position (GRCh38, 1-based): chr1:55,056,085, A>G. VCF-style: chr1-55056085-A-G. GRCh37 (hg19) VCF-style: chr1-55521758-A-G.
Other names: c.1015A>G, p.Asn339Asp (NM_001407240.1); c.892A>G, p.Asn298Asp (NM_001407241.1, NM_001407244.1, NM_001407247.1); c.895A>G, p.Asn299Asp (NM_001407242.1); c.835A>G, p.Asn279Asp (NM_001407243.1); c.700A>G, p.Asn234Asp (NM_001407245.1); c.517A>G, p.Asn173Asp (NM_001407246.1); short protein forms N298D, N299D, N339D, N173D, N234D, N279D.
Identifiers: ClinVar variation 926532 (VCV000926532.15), dbSNP rs575003139, ClinGen allele CA044991.